The following is an entry in ClinVar:

NM_001367624.2(ZNF469):c.4998G>A (p.Pro1666=)

Gene: ZNF469 (zinc finger protein 469; plus strand). Cytogenetic location: 16q24.2.
Variant type: single nucleotide variant.
Coding change: c.4998G>A on transcript NM_001367624.2 (MANE Select); coding-DNA position 4998, G replaced by A.
Protein change: p.Pro1666=; no amino-acid change (proline 1666 retained).
Molecular consequence: synonymous variant.
Genome position (GRCh38, 1-based): chr16:88,432,468, G>A. VCF-style: chr16-88432468-G-A. GRCh37 (hg19) VCF-style: chr16-88498876-G-A.
Other names: NM_001127464.1:c.4914G>A; NM_001127464.2:c.4914G>A.
Identifiers: ClinVar variation 1744072 (VCV001744072.6), dbSNP rs1199257823, ClinGen allele CA497354986.

ClinVar aggregate classification (germline): Conflicting classifications of pathogenicity. Review status: criteria provided, conflicting classifications (1 of 4 stars). 3 submissions from 3 submitters: Uncertain significance (1); Likely benign (2). Last evaluated 2024-02-03.

Conditions:
Cardiovascular phenotype. Identifiers: MedGen CN230736.
ZNF469-related disorder. Also called: ZNF469-related condition.

Allele frequency attached by ClinVar (database versions not stated): TOPMed 0.00003; gnomAD 0.00005.
gnomAD v4.1: 38 of 1,550,244 alleles (0.0025%); highest among the groups gnomAD compares: African/African-American, 0.0096%; no homozygotes.

Submissions (3):

Labcorp Genetics (formerly Invitae), Labcorp
Classification: Likely benign. Last evaluated: 2024-02-03. Review status: criteria provided, single submitter. Criteria: Invitae Variant Classification Sherloc (09022015). Collection method: clinical testing. Allele origin: germline.

PreventionGenetics, part of Exact Sciences
Classification: Uncertain significance for ZNF469-related condition. Last evaluated: 2023-05-23. Review status: criteria provided, single submitter. Criteria: ACMG Guidelines, 2015. Collection method: clinical testing. Allele origin: germline.
Comment: The ZNF469 c.4914G>A variant is not predicted to result in an amino acid change (p.=). This variant is predicted to alter splicing based on available splicing prediction programs (Alamut Visual Plus v1.6.1). However, the use of computer prediction programs is not equivalent to functional evidence. To our knowledge, this variant has not been reported in the literature. This variant is reported in 0.018% of alleles in individuals of African descent in gnomAD. At this time, the clinical significance of this variant is uncertain due to the absence of conclusive functional and genetic evidence.

Ambry Genetics
Classification: Likely benign for Cardiovascular phenotype. Last evaluated: 2021-03-10. Review status: criteria provided, single submitter. Criteria: Ambry Variant Classification Scheme 2023. Collection method: clinical testing. Allele origin: germline.